The following is an entry in ClinVar:

NM_024854.5(PYROXD1):c.1352dup (p.Met451fs)

Gene: PYROXD1 (pyridine nucleotide-disulphide oxidoreductase domain 1; plus strand). Cytogenetic location: 12p12.1.
Variant type: Duplication.
Coding change: c.1352dup on transcript NM_024854.5 (MANE Select); coding-DNA position 1352, one base duplicated (T; older notation c.1352dupT).
Protein change: p.Met451fs; shifts the reading frame from methionine 451.
Molecular consequence: frameshift variant.
Genome position (GRCh38, 1-based): chr12:21,468,603, T duplicated. VCF-style (leftmost placement, unchanged base first): chr12-21468602-A-AT. GRCh37 (hg19) VCF-style: chr12-21621536-A-AT.
Other names: c.1139dup, p.Met380fs (NM_001350912.2); c.575dup, p.Met192fs (NM_001350913.2); short protein forms M451fs, M192fs, M380fs.
Identifiers: ClinVar variation 1436720 (VCV001436720.6), dbSNP rs1336092784, ClinGen allele CA686391557.
Genomic context (GRCh38, chr12:21,468,602, plus strand): 5'-GGTTCAGATCATGAATTAATGCTGAGATGTACCAAAGGACGAGAATACATCAAAGTCGTC[A>AT]TGCAAAATGGACGAATGATGGGAGCTGTCTTAATTGGTGAAACCGATTTAGAAGAAACAT-3'

ClinVar aggregate classification (germline): Uncertain significance (1 of 4 stars; one submission).

Allele frequency attached by ClinVar (database versions not stated): TOPMed below 0.00001.

Submission:

Labcorp Genetics (formerly Invitae), Labcorp
Classification: Uncertain significance. Last evaluated: 2021-08-14. Review status: criteria provided, single submitter. Criteria: Invitae Variant Classification Sherloc (09022015). Collection method: clinical testing. Allele origin: germline.
Comment: This sequence change creates a premature translational stop signal (p.Met451Ilefs*14) in the PYROXD1 gene. While this is not anticipated to result in nonsense mediated decay, it is expected to disrupt the last 50 amino acid(s) of the PYROXD1 protein. This variant is not present in population databases (ExAC no frequency). This variant has not been reported in the literature in individuals affected with PYROXD1-related conditions. In summary, the available evidence is currently insufficient to determine the role of this variant in disease. Therefore, it has been classified as a Variant of Uncertain Significance.